The following is an entry in ClinVar:

NM_015272.5(RPGRIP1L):c.349G>A (p.Glu117Lys)

Gene: RPGRIP1L (RPGRIP1 like; minus strand). Cytogenetic location: 16q12.2.
Variant type: single nucleotide variant.
Coding change: c.349G>A on transcript NM_015272.5 (MANE Select); coding-DNA position 349, G replaced by A.
Protein change: p.Glu117Lys; replaces glutamic acid 117 with lysine.
Molecular consequence: missense variant.
Genome position (GRCh38, 1-based): chr16:53,692,246, C>T on the plus strand (G>A on the coding strand, the complement: RPGRIP1L is on the minus strand). VCF-style: chr16-53692246-C-T. GRCh37 (hg19) VCF-style: chr16-53726158-C-T.
Other names: c.349G>A (NM_015272.2, NM_015272.4); c.349G>A, p.Glu117Lys (NM_001127897.4, NM_001308334.3, NM_001330538.2); short protein forms E117K.
Identifiers: ClinVar variation 2006056 (VCV002006056.5), dbSNP rs1970435640, ClinGen allele CA395925012.

ClinVar aggregate classification (germline): Uncertain significance. Review status: criteria provided, multiple submitters, no conflicts (2 of 4 stars). 3 submissions from 3 submitters: Uncertain significance (3). Last evaluated 2025-07-22.

Conditions:
RPGRIP1L-related disorder. Also called: RPGRIP1L-related disorders; RPGRIP1L-related condition. Identifiers: MedGen CN239416.
Meckel-Gruber syndrome. Also called: DYSENCEPHALIA SPLANCHNOCYSTICA; GRUBER SYNDROME; Dysencephalia splachnocystica. Identifiers: Orphanet 564, MedGen C0265215, MONDO:0018921.
Joubert syndrome. Also called: Familial aplasia of the vermis; JOUBERT-BOLTSHAUSER SYNDROME. Identifiers: Orphanet 475, MedGen C5979921, MONDO:0018772.

Allele frequency attached by ClinVar (database versions not stated): gnomAD 0.00001.
gnomAD v4.1: 1 of 1,614,060 alleles (0.000062%); highest among the groups gnomAD compares: South Asian, 0.0011%; no homozygotes.

Submissions (3):

PreventionGenetics, part of Exact Sciences
Classification: Uncertain significance for RPGRIP1L-related condition. Last evaluated: 2025-07-22. Review status: criteria provided, single submitter. Criteria: ACMG Guidelines, 2015. Collection method: clinical testing. Allele origin: germline.
Comment: The RPGRIP1L c.349G>A variant is predicted to result in the amino acid substitution p.Glu117Lys. To our knowledge, this variant has not been reported in the literature or in a large population database (gnomAD), indicating this variant is rare. At this time, the clinical significance of this variant is uncertain due to the absence of conclusive functional and genetic evidence.

Labcorp Genetics (formerly Invitae), Labcorp
Classification: Uncertain significance for Joubert syndrome; Meckel-Gruber syndrome. Last evaluated: 2022-06-14. Review status: criteria provided, single submitter. Criteria: Invitae Variant Classification Sherloc (09022015). Collection method: clinical testing. Allele origin: germline.
Comment: This sequence change replaces glutamic acid, which is acidic and polar, with lysine, which is basic and polar, at codon 117 of the RPGRIP1L protein (p.Glu117Lys). This variant is not present in population databases (gnomAD no frequency). This variant has not been reported in the literature in individuals affected with RPGRIP1L-related conditions. Algorithms developed to predict the effect of missense changes on protein structure and function are either unavailable or do not agree on the potential impact of this missense change (SIFT: "Tolerated"; PolyPhen-2: "Possibly Damaging"; Align-GVGD: "Class C0"). In summary, the available evidence is currently insufficient to determine the role of this variant in disease. Therefore, it has been classified as a Variant of Uncertain Significance.

Revvity Omics, Revvity
Classification: Uncertain significance. Last evaluated: 2020-11-10. Review status: criteria provided, single submitter. Criteria: ACMG Guidelines, 2015. Collection method: clinical testing. Allele origin: germline.